The following is an entry in ClinVar:

NM_000264.5(PTCH1):c.4037C>G (p.Ser1346Cys)

Gene: PTCH1 (patched 1; minus strand). Cytogenetic location: 9q22.32.
Variant type: single nucleotide variant.
Coding change: c.4037C>G on transcript NM_000264.5 (MANE Select); coding-DNA position 4037, C replaced by G.
Protein change: p.Ser1346Cys; replaces serine 1346 with cysteine.
Molecular consequence: missense variant. On other transcripts: non-coding transcript variant (1).
Genome position (GRCh38, 1-based): chr9:95,447,219, G>C on the plus strand (C>G on the coding strand, the complement: PTCH1 is on the minus strand). VCF-style: chr9-95447219-G-C. GRCh37 (hg19) VCF-style: chr9-98209501-G-C.
Other names: c.3839C>G, p.Ser1280Cys (NM_001083602.3); c.4034C>G, p.Ser1345Cys (NM_001083603.3); c.3584C>G, p.Ser1195Cys (NM_001083604.3, NM_001083605.3, NM_001083606.3 and 1 more transcripts); c.3881C>G, p.Ser1294Cys (NM_001354918.2); short protein forms S1195C, S1345C, S1280C, S1294C, S1346C.
Identifiers: ClinVar variation 5027498 (VCV005027498.1).

ClinVar aggregate classification (germline): Uncertain significance (1 of 4 stars; one submission).

Conditions:
Hereditary cancer-predisposing syndrome. Also called: Neoplastic Syndromes, Hereditary; Tumor predisposition; Hereditary neoplastic syndrome; Hereditary Cancer Syndrome. Identifiers: Orphanet 140162, MedGen C0027672, MeSH D009386, MONDO:0015356.

Submission:

Ambry Genetics
Classification: Uncertain significance for Hereditary cancer-predisposing syndrome. Last evaluated: 2026-07-07. Review status: criteria provided, single submitter. Criteria: Ambry Variant Classification Scheme 2023. Collection method: clinical testing. Allele origin: germline.
Comment: The p.S1280C variant (also known as c.3839C>G), located in coding exon 23 of the PTCH1 gene, results from a C to G substitution at nucleotide position 3839. The serine at codon 1280 is replaced by cysteine, an amino acid with dissimilar properties. This amino acid position is conserved. In addition, this alteration is predicted to be tolerated by in silico analysis. Based on the available evidence, the clinical significance of this variant remains unclear.